The following is an entry in ClinVar:

ClinVar aggregate classification (germline): Uncertain significance. Review status: criteria provided, multiple submitters, no conflicts (2 of 4 stars). 2 submissions from 2 submitters: Uncertain significance (2). Last evaluated 2026-04-30.

Conditions:
ATL3-related disorder. Also called: ATL3-related condition.
Inborn genetic diseases. Identifiers: MedGen C0950123, MeSH D030342.

Submissions (2):

PreventionGenetics, part of Exact Sciences
Classification: Uncertain significance for ATL3-related condition. Last evaluated: 2026-04-30. Review status: criteria provided, single submitter. Criteria: ACMG Guidelines, 2015. Collection method: clinical testing. Allele origin: germline.
Comment: The ATL3 c.245G>A variant is predicted to result in the amino acid substitution p.Arg82Gln. To our knowledge, this variant has not been reported in the literature. This variant is reported in 0.00088% of alleles in individuals of European (non-Finnish) descent in gnomAD. At this time, the clinical significance of this variant is uncertain due to the absence of conclusive functional and genetic evidence.

Ambry Genetics
Classification: Uncertain significance for Inborn genetic diseases. Last evaluated: 2026-04-15. Review status: criteria provided, single submitter. Criteria: Ambry Variant Classification Scheme 2023. Collection method: clinical testing. Allele origin: germline.
Comment: The c.245G>A (p.R82Q) alteration is located in exon 2 (coding exon 2) of the ATL3 gene. This alteration results from a G to A substitution at nucleotide position 245, causing the arginine (R) at amino acid position 82 to be replaced by a glutamine (Q). Based on data from gnomAD, the A allele has an overall frequency of <0.001% (1/249496) total alleles studied. The highest observed frequency was 0.001% (1/113236) of European (non-Finnish) alleles. Based on insufficient or conflicting evidence, the clinical significance of this alteration remains unclear.

NM_015459.5(ATL3):c.245G>A (p.Arg82Gln)

Gene: ATL3 (atlastin GTPase 3; minus strand). Cytogenetic location: 11q13.1.
Variant type: single nucleotide variant.
Coding change: c.245G>A on transcript NM_015459.5 (MANE Select); coding-DNA position 245, G replaced by A.
Protein change: p.Arg82Gln; replaces arginine 82 with glutamine.
Molecular consequence: missense variant.
Genome position (GRCh38, 1-based): chr11:63,659,054, C>T on the plus strand (G>A on the coding strand, the complement: ATL3 is on the minus strand). VCF-style: chr11-63659054-C-T. GRCh37 (hg19) VCF-style: chr11-63426526-C-T.
Other names: c.245G>A (NM_015459.4); c.191G>A, p.Arg64Gln (NM_001290048.2, NM_001440720.1); c.245G>A, p.Arg82Gln (NM_001440716.1, NM_001440717.1, NM_001440718.1 and 3 more transcripts); short protein forms R64Q, R82Q.
Identifiers: ClinVar variation 4865316 (VCV004865316.2).